The following continues an entry in ClinVar:

NM_000053.4(ATP7B):c.4092_4093del (p.Ser1365fs)

Gene: ATP7B. ClinVar aggregate classification (germline): Pathogenic/Likely pathogenic. Pathogenic (13); Likely pathogenic (2).

Submissions 13 to 16 of 16:

Laboratory for Molecular Medicine, Mass General Brigham Personalized Medicine
Classification: Likely pathogenic for Wilson disease. Last evaluated: 2020-06-11. Review status: criteria provided, single submitter. Criteria: ACMG Guidelines, 2015. Collection method: clinical testing. Allele origin: germline.
Comment: The p.Ser1365CysfsX12 variant in ATP7B has been previously reported in 8 probands with Wilson disease, 5 of whom were compound heterozygous for a second ATP7B variant (Coffey 2013, Lowette 2010, Shah 1994, Thomas 1995, Vrabelova 2005). This variant has also been identified 0.003% (4/111880) of European chromosomes by gnomAD. This variant is predicted to cause a frameshift, which alters the protein’s amino acid sequence beginning at position 1365 and leads to a premature termination codon 12 amino acids downstream. This termination codon occurs within the terminal 50 bases of the second to last exon and is, therefore, likely to escape nonsense mediated decay (NMD) and result in a truncated protein. However, several pathogenic and likely pathogenic variants have been reported 3' to this variant in ClinVar (Variation IDs 371170, 553449, 280040, 551073). In summary, although additional studies are required to fully establish its clinical significance, this variant meets criteria to be classified as likely pathogenic for autosomal recessive Wilson disease. ACMG/AMP Criteria applied: PM2, PM3_Strong, PM4, PP4.

Women's Health and Genetics/Laboratory Corporation of America, LabCorp
Classification: Pathogenic for Wilson disease. Last evaluated: 2017-02-28. Review status: criteria provided, single submitter. Criteria: LabCorp Variant Classification Summary - May 2015. Collection method: clinical testing. Allele origin: germline.
Comment: Variant summary: The ATP7B c.4092_4093delGT (p.Ser1365Cysfs) variant results in a premature termination codon, predicted to cause a truncated or absent ATP7B protein due to nonsense mediated decay, which are commonly known mechanisms for disease. One in silico tool, Mutation Taster, predicts a damaging outcome for this variant. This variant is absent in the large control population database ExAC (0/108958 control chromosomes). One clinical diagnostic laboratories and multiple reputable databases classified this variant as pathogenic. In addition, the variant has been reported in numerous patients in the literature. Taken together, this variant is classified as pathogenic.

Genetic Services Laboratory, University of Chicago
Classification: Pathogenic for Wilson disease. Last evaluated: 2016-02-17. Review status: criteria provided, single submitter. Criteria: ACMG Guidelines, 2015. Collection method: clinical testing. Allele origin: germline. Affected: yes.

Counsyl
Classification: Pathogenic for Wilson disease. Last evaluated: 2016-09-23. Review status: no assertion criteria provided. Collection method: clinical testing. Allele origin: unknown. Not counted in ClinVar's aggregate classification.

Literature cited by the submitters: PubMed 17317524 (cited by 5 submitters); PubMed 20042865 (cited by 5 submitters); PubMed 11054498 (cited by Labcorp Genetics (formerly Invitae), Labcorp); PubMed 14748773 (cited by Labcorp Genetics (formerly Invitae), Labcorp); PubMed 28600779 (cited by Labcorp Genetics (formerly Invitae), Labcorp); PubMed 23518715 (cited by 4 submitters); PubMed 15967699 (cited by 4 submitters); PubMed 34400371 (cited by All of Us Research Program, National Institutes of Health and Color Diagnostics, LLC DBA Color Health); PubMed 9311736 (cited by Women's Health and Genetics/Laboratory Corporation of America, LabCorp and Counsyl); PubMed 7626145 (cited by Women's Health and Genetics/Laboratory Corporation of America, LabCorp).